The following is an entry in ClinVar:

ClinVar aggregate classification (germline): Conflicting classifications of pathogenicity. Review status: criteria provided, conflicting classifications (1 of 4 stars). 7 submissions from 7 submitters: Uncertain significance (5); Likely benign (1). 1 of the submissions does not count toward it. Last evaluated 2026-10-01.

Conditions:
Hereditary cancer-predisposing syndrome. Also called: Neoplastic Syndromes, Hereditary; Tumor predisposition; Hereditary Cancer Syndrome; Hereditary neoplastic syndrome. Identifiers: Orphanet 140162, MedGen C0027672, MeSH D009386, MONDO:0015356.
Fanconi anemia (FA). Also called: Fanconi's anemia. Identifiers: Orphanet 84, MedGen C0015625, MeSH D005199, MONDO:0019391.
Fanconi anemia complementation group C (FANCC). Also called: FANCONI PANCYTOPENIA, TYPE 3; FACC; Fanconi anemia, group C; FANCC-Related Fanconi Anemia. Identifiers: Orphanet 84, MedGen C3468041, MONDO:0009213, OMIM 227645.

Allele frequency attached by ClinVar (database versions not stated): ExAC 0.00002; TOPMed 0.00009; ESP Exome Variant Server 0.00015.
gnomAD v4.1: 26 of 1,614,018 alleles (0.0016%); highest among the groups gnomAD compares: African/African-American, 0.008%; no homozygotes.

Submissions (7):

St. Jude Molecular Pathology, St. Jude Children's Research Hospital
Classification: Uncertain significance for Fanconi anemia complementation group C. Last evaluated: 2026-10-01. Review status: criteria provided, single submitter. Criteria: St. Jude Assertion Criteria 2020. Collection method: clinical testing. Allele origin: germline.
Comment: The FANCC c.1162G>A p.(Gly388Arg) missense change has a maximum subpopulation frequency of 0.006% in gnomAD v2.1.1. The in silico tool REVEL predicts a benign effect on protein function, but to our knowledge this prediction has not been confirmed by functional studies. To our knowledge, this variant has not been reported in the literature in indiv iduals with Fanconi anemia. In summary, the evidence currently available is insufficient to determine the clinical significance of this variant. It has therefore been classified as of uncertain significance.

Quest Diagnostics Nichols Institute San Juan Capistrano
Classification: Uncertain significance. Last evaluated: 2025-05-31. Review status: criteria provided, single submitter. Criteria: Quest Diagnostics criteria. Collection method: clinical testing. Allele origin: unknown.
Comment: The FANCC c.1162G>A (p.Gly388Arg) variant has not been reported germline in individuals with FANCC-related conditions in the published literature. However, it has been identified in reportedly unaffected individuals (PMID: 33471991 (2021), 29641532 (2018), see also LOVD. The frequency of this variant in the general population (Genome Aggregation Database) is uninformative in the assessment of its pathogenicity. Analysis of this variant using bioinformatics tools for the prediction of the effect of amino acid changes on protein structure and function yielded predictions that this variant is benign. Based on the available information, we are unable to determine the clinical significance of this variant.

GeneDx
Classification: Uncertain significance. Last evaluated: 2025-02-14. Review status: criteria provided, single submitter. Criteria: GeneDx Variant Classification Process June 2021. Collection method: clinical testing. Allele origin: germline. Affected: yes.
Comment: In silico analysis indicates that this missense variant does not alter protein structure/function; This variant is associated with the following publications: (PMID: 33471991, 29641532, 29625052, Gordon2000[Book], 33314633, 36451132)

Ambry Genetics
Classification: Likely benign for Hereditary cancer-predisposing syndrome. Last evaluated: 2024-10-11. Review status: criteria provided, single submitter. Criteria: Ambry Variant Classification Scheme 2023. Collection method: clinical testing. Allele origin: germline.

Labcorp Genetics (formerly Invitae), Labcorp
Classification: Uncertain significance for Fanconi anemia. Last evaluated: 2024-01-17. Review status: criteria provided, single submitter. Criteria: Invitae Variant Classification Sherloc (09022015). Collection method: clinical testing. Allele origin: germline.
Comment: This sequence change replaces glycine, which is neutral and non-polar, with arginine, which is basic and polar, at codon 388 of the FANCC protein (p.Gly388Arg). This variant is present in population databases (rs371897078, gnomAD 0.006%). This variant has not been reported in the literature in individuals affected with FANCC-related conditions. ClinVar contains an entry for this variant (Variation ID: 220210). Advanced modeling of protein sequence and biophysical properties (such as structural, functional, and spatial information, amino acid conservation, physicochemical variation, residue mobility, and thermodynamic stability) performed at Invitae indicates that this missense variant is not expected to disrupt FANCC protein function with a negative predictive value of 80%. In summary, the available evidence is currently insufficient to determine the role of this variant in disease. Therefore, it has been classified as a Variant of Uncertain Significance.

Sema4
Classification: Uncertain significance for Fanconi anemia. Last evaluated: 2022-01-31. Review status: criteria provided, single submitter. Criteria: Sema4 Curation Guidelines. Collection method: curation. Allele origin: germline.
Comment: To the best of our knowledge, the FANCC c.1162G>A (p.G388R) variant has not been reported in individuals with FANCC-related disease, however it has been reported in several healthy controls (PMID: 33471991, 29641532). It was observed in 8/251364 chromosomes across all populations in the large and broad cohorts of the Genome Aggregation Database (PMID: 32461654). The variant has been reported in ClinVar (Variation ID 220210). In silico tools suggest the impact of the variant on protein function is benign, though these predictions have not been confirmed by functional studies. The evidence is insufficient to meet ACMG/AMP criteria for classifying the variant as benign or pathogenic. Thus, the clinical significance of this variant is currently uncertain.

Natera, Inc.
Classification: Uncertain significance for Fanconi anemia. Last evaluated: 2018-06-25. Review status: no assertion criteria provided. Collection method: clinical testing. Allele origin: germline. Not counted in ClinVar's aggregate classification.

Literature cited by the submitters: PubMed 33314633 (cited by Quest Diagnostics Nichols Institute San Juan Capistrano); PubMed 33471991 (cited by 3 submitters); PubMed 29641532 (cited by Quest Diagnostics Nichols Institute San Juan Capistrano and Sema4).

NM_000136.3(FANCC):c.1162G>A (p.Gly388Arg)

Genes: FANCC (FA complementation group C; minus strand), AOPEP (aminopeptidase O (putative); plus strand). Cytogenetic location: 9q22.32.
Variant type: single nucleotide variant.
Coding change: c.1162G>A on transcript NM_000136.3 (MANE Select); coding-DNA position 1162, G replaced by A.
Protein change: p.Gly388Arg; replaces glycine 388 with arginine.
Molecular consequence: missense variant.
Genome position (GRCh38, 1-based): chr9:95,111,630, C>T on the plus strand (G>A on the coding strand, the complement: FANCC is on the minus strand). VCF-style: chr9-95111630-C-T. GRCh37 (hg19) VCF-style: chr9-97873912-C-T.
Other names: c.1162G>A, p.Gly388Arg (NM_001243743.2, NM_001243744.2); short protein forms G388R.
Identifiers: ClinVar variation 220210 (VCV000220210.25), dbSNP rs371897078, ClinGen allele CA349330.
Genomic context (GRCh38, chr9:95,111,630, plus strand): 5'-CCACCATCTCAGCCCATCCTCCGAAGTGAATGAACAGGAACCAGCTCTCAAAGGGACCTC[C>T]GCAGGACCTGGAACAGAGGCAGAACACATGGCAGTTGACAACCTAAATTCTTCTTCCTTT-3'
Protein context (NP_000127.2, residues 378-398): AVEDQTHGSC[Gly388Arg]GPFESWFLFI